The following is an entry in ClinVar:

NM_004525.3(LRP2):c.12124C>A (p.Arg4042Ser)

Gene: LRP2 (LDL receptor related protein 2; minus strand). Cytogenetic location: 2q31.1.
Variant type: single nucleotide variant.
Coding change: c.12124C>A on transcript NM_004525.3 (MANE Select); coding-DNA position 12124, C replaced by A.
Protein change: p.Arg4042Ser; replaces arginine 4042 with serine.
Molecular consequence: missense variant.
Genome position (GRCh38, 1-based): chr2:169,156,301, G>T on the plus strand (C>A on the coding strand, the complement: LRP2 is on the minus strand). VCF-style: chr2-169156301-G-T. GRCh37 (hg19) VCF-style: chr2-170012811-G-T.
Other names: short protein forms R4042S.
Identifiers: ClinVar variation 3693588 (VCV003693588.2).

ClinVar aggregate classification (germline): Uncertain significance (1 of 4 stars; one submission).

gnomAD v4.1: 2 of 1,613,606 alleles (0.00012%); highest among the groups gnomAD compares: African/African-American, 0.0027%; no homozygotes.

Submission:

Labcorp Genetics (formerly Invitae), Labcorp
Classification: Uncertain significance. Last evaluated: 2024-04-18. Review status: criteria provided, single submitter. Criteria: Invitae Variant Classification Sherloc (09022015). Collection method: clinical testing. Allele origin: germline.
Comment: This sequence change replaces arginine, which is basic and polar, with serine, which is neutral and polar, at codon 4042 of the LRP2 protein (p.Arg4042Ser). This variant is not present in population databases (gnomAD no frequency). This variant has not been reported in the literature in individuals affected with LRP2-related conditions. Advanced modeling of protein sequence and biophysical properties (such as structural, functional, and spatial information, amino acid conservation, physicochemical variation, residue mobility, and thermodynamic stability) performed at Invitae indicates that this missense variant is not expected to disrupt LRP2 protein function with a negative predictive value of 95%. In summary, the available evidence is currently insufficient to determine the role of this variant in disease. Therefore, it has been classified as a Variant of Uncertain Significance.